The following is an entry in ClinVar:

ClinVar aggregate classification (germline): Uncertain significance (0 of 4 stars; one submission).

Conditions:
TTN-related disorder. Also called: TTN-related disorders; TTN-related condition; TTN-related disease.

gnomAD v4.1: 1 of 1,606,462 alleles (0.000062%); no homozygotes.

Submission:

PreventionGenetics, part of Exact Sciences
Classification: Uncertain significance for TTN-related condition. Last evaluated: 2024-07-11. Review status: no assertion criteria provided. Collection method: clinical testing. Allele origin: germline.
Comment: The TTN c.78818G>A variant is predicted to result in the amino acid substitution p.Gly26273Asp. To our knowledge, this variant has not been reported in the literature or in a large population database, indicating this variant is rare. At this time, the clinical significance of this variant is uncertain due to the absence of conclusive functional and genetic evidence.

NM_001267550.2(TTN):c.78818G>A (p.Gly26273Asp)

Genes: TTN (titin; minus strand), TTN-AS1 (TTN antisense RNA 1; plus strand). Cytogenetic location: 2q31.2.
Variant type: single nucleotide variant.
Coding change: c.78818G>A on transcript NM_001267550.2 (MANE Select); coding-DNA position 78818, G replaced by A.
Protein change: p.Gly26273Asp; replaces glycine 26273 with aspartic acid.
Molecular consequence: missense variant.
Genome position (GRCh38, 1-based): chr2:178,567,314, C>T on the plus strand (G>A on the coding strand, the complement: TTN is on the minus strand). VCF-style: chr2-178567314-C-T. GRCh37 (hg19) VCF-style: chr2-179432041-C-T.
Other names: c.73895G>A, p.Gly24632Asp (NM_001256850.1); c.51623G>A, p.Gly17208Asp (NM_003319.4); c.71114G>A, p.Gly23705Asp (NM_133378.4); c.51998G>A, p.Gly17333Asp (NM_133432.3); c.52199G>A, p.Gly17400Asp (NM_133437.4); short protein forms G17208D, G17333D, G17400D, G23705D, G24632D, G26273D.
Identifiers: ClinVar variation 3346555 (VCV003346555.1).